The following is an entry in ClinVar:

ClinVar aggregate classification (germline): Uncertain significance (1 of 4 stars; one submission).

Submission:

GeneDx
Classification: Uncertain significance. Last evaluated: 2024-04-08. Review status: criteria provided, single submitter. Criteria: GeneDx Variant Classification Process June 2021. Collection method: clinical testing. Allele origin: germline. Affected: yes.
Comment: Not observed at significant frequency in large population cohorts (gnomAD); In silico analysis supports that this missense variant has a deleterious effect on protein structure/function; Has not been previously published as pathogenic or benign to our knowledge

NM_001357.5(DHX9):c.2561T>C (p.Ile854Thr)

Gene: DHX9 (DExH-box helicase 9; plus strand). Cytogenetic location: 1q25.3.
Variant type: single nucleotide variant.
Coding change: c.2561T>C on transcript NM_001357.5 (MANE Select); coding-DNA position 2561, T replaced by C.
Protein change: p.Ile854Thr; replaces isoleucine 854 with threonine.
Molecular consequence: missense variant. On other transcripts: non-coding transcript variant (1).
Genome position (GRCh38, 1-based): chr1:182,880,545, T>C. VCF-style: chr1-182880545-T-C. GRCh37 (hg19) VCF-style: chr1-182849680-T-C.
Other names: short protein forms I854T.
Identifiers: ClinVar variation 3372070 (VCV003372070.1).
Genomic context (GRCh38, chr1:182,880,545, plus strand): 5'-ATCTCCCCACAGAGCTTGATGCATTAGATGCCAATGATGAGTTGACTCCTTTGGGACGAA[T>C]CCTGGCTAAACTCCCCATTGAGCCTCGTTTTGGCAAAATGATGATAATGGGGTGTATTTT-3'
Protein context (NP_001348.2, residues 844-864): ANDELTPLGR[Ile854Thr]LAKLPIEPRF